The following is an entry in ClinVar:

ClinVar aggregate classification (germline): Uncertain significance (1 of 4 stars; one submission).

Conditions:
SDCCAG8-related disorder. Also called: SDCCAG8-Related Disorders; SDCCAG8-related condition.

gnomAD v4.1: 2 of 1,613,886 alleles (0.00012%); highest among the groups gnomAD compares: Non-Finnish European, 0.000085%; no homozygotes.

Submissions (2):

PreventionGenetics, part of Exact Sciences
Classification: Uncertain significance for SDCCAG8-related condition. Last evaluated: 2025-05-12. Review status: criteria provided, single submitter. Criteria: ACMG Guidelines, 2015. Collection method: clinical testing. Allele origin: germline.
Comment: The SDCCAG8 c.546+5G>A variant is predicted to interfere with splicing. To our knowledge, this variant has not been reported in the literature or in a large population database (gnomAD), indicating this variant is rare. At this time, the clinical significance of this variant is uncertain due to the absence of conclusive functional and genetic evidence.

Dr. Peter K. Rogan Lab, Western University
No classification provided (evidence only). Condition: Ovarian serous cystadenocarcinoma. Review status: no classification provided. Collection method: in vitro. Allele origin: not applicable. Functional consequence: retained intron. Not counted in ClinVar's aggregate classification.

NM_006642.5(SDCCAG8):c.546+5G>A

Gene: SDCCAG8 (SHH signaling and ciliogenesis regulator SDCCAG8; plus strand). Cytogenetic location: 1q43.
Variant type: single nucleotide variant.
Coding change: c.546+5G>A on transcript NM_006642.5 (MANE Select); 5 bases into the intron after coding-DNA position 546, G replaced by A.
Molecular consequence: intron variant.
Genome position (GRCh38, 1-based): chr1:243,286,402, G>A. VCF-style: chr1-243286402-G-A. GRCh37 (hg19) VCF-style: chr1-243449704-G-A.
Other names: NC_000001.10:g.243449704G>A; c.252+5G>A (NM_001350249.2); c.-828+5G>A (NM_001350251.2); c.546+5G>A (NM_001350248.2, NM_006642.3); c.-567+5G>A (NM_001350246.2); c.-455+5G>A (NM_001350247.2).
Identifiers: ClinVar variation 4397730 (VCV004397730.2).